The following is an entry in ClinVar:

NM_000038.6(APC):c.8420C>T (p.Thr2807Ile)

Gene: APC (APC regulator of Wnt signaling pathway; plus strand). Cytogenetic location: 5q22.2.
Variant type: single nucleotide variant.
Coding change: c.8420C>T on transcript NM_000038.6 (MANE Select); coding-DNA position 8420, C replaced by T.
Protein change: p.Thr2807Ile; replaces threonine 2807 with isoleucine.
Molecular consequence: missense variant.
Genome position (GRCh38, 1-based): chr5:112,844,014, C>T. VCF-style: chr5-112844014-C-T. GRCh37 (hg19) VCF-style: chr5-112179711-C-T.
Other names: c.7571C>T, p.Thr2524Ile (NM_001354906.2); c.8420C>T, p.Thr2807Ile (NM_001127510.3, NM_001354895.2); c.8366C>T, p.Thr2789Ile (NM_001127511.3); c.8474C>T, p.Thr2825Ile (NM_001354896.2); c.8450C>T, p.Thr2817Ile (NM_001354897.2); c.8345C>T, p.Thr2782Ile (NM_001354898.2); c.8336C>T, p.Thr2779Ile (NM_001354899.2); c.8297C>T, p.Thr2766Ile (NM_001354900.2); and 5 more; short protein forms T2807I, T2789I, T2524I, T2782I, T2825I, T2706I, T2748I, T2681I.
Identifiers: ClinVar variation 572513 (VCV000572513.11), dbSNP rs1561623041, ClinGen allele CA16039602.
Genomic context (GRCh38, chr5:112,844,014, plus strand): 5'-ACCCAAGCCCTAGGAAAAGCAGCGCAGATAGCACTTCAGCTCGGCCATCTCAGATCCCAA[C>T]TCCAGTGAATAACAACACAAAGAAGCGAGATTCCAAAACTGACAGCACAGAATCCAGTGG-3'
Protein context (NP_000029.2, residues 2797-2817): STSARPSQIP[Thr2807Ile]PVNNNTKKRD

ClinVar aggregate classification (germline): Uncertain significance. Review status: criteria provided, multiple submitters, no conflicts (2 of 4 stars). 2 submissions from 2 submitters: Uncertain significance (2). Last evaluated 2024-12-09.

Conditions:
Familial adenomatous polyposis 1 (FAP1). Also called: POLYPOSIS, ADENOMATOUS INTESTINAL; FAMILIAL ADENOMATOUS POLYPOSIS 1, ATTENUATED. Identifiers: MedGen C2713442, MONDO:0021056, OMIM 175100. Disease mechanism: loss of function.

Submissions (2):

Revvity Omics, Revvity
Classification: Uncertain significance. Last evaluated: 2024-12-09. Review status: criteria provided, single submitter. Criteria: ACMG Guidelines, 2015. Collection method: clinical testing. Allele origin: germline.

Labcorp Genetics (formerly Invitae), Labcorp
Classification: Uncertain significance for Familial adenomatous polyposis 1. Last evaluated: 2023-11-15. Review status: criteria provided, single submitter. Criteria: Invitae Variant Classification Sherloc (09022015). Collection method: clinical testing. Allele origin: germline.
Comment: This sequence change replaces threonine, which is neutral and polar, with isoleucine, which is neutral and non-polar, at codon 2807 of the APC protein (p.Thr2807Ile). This variant is not present in population databases (gnomAD no frequency). This variant has not been reported in the literature in individuals affected with APC-related conditions. ClinVar contains an entry for this variant (Variation ID: 572513). Advanced modeling of protein sequence and biophysical properties (such as structural, functional, and spatial information, amino acid conservation, physicochemical variation, residue mobility, and thermodynamic stability) performed at Invitae indicates that this missense variant is not expected to disrupt APC protein function with a negative predictive value of 95%. In summary, the available evidence is currently insufficient to determine the role of this variant in disease. Therefore, it has been classified as a Variant of Uncertain Significance.